The following is an entry in ClinVar:

NM_001276270.2(MBD4):c.749G>A (p.Cys250Tyr)

Gene: MBD4 (methyl-CpG binding domain 4, DNA glycosylase; minus strand). Cytogenetic location: 3q21.3.
Variant type: single nucleotide variant.
Coding change: c.749G>A on transcript NM_001276270.2 (MANE Select); coding-DNA position 749, G replaced by A.
Protein change: p.Cys250Tyr; replaces cysteine 250 with tyrosine.
Molecular consequence: missense variant. On other transcripts: intron variant (1).
Genome position (GRCh38, 1-based): chr3:129,436,895, C>T on the plus strand (G>A on the coding strand, the complement: MBD4 is on the minus strand). VCF-style: chr3-129436895-C-T. GRCh37 (hg19) VCF-style: chr3-129155738-C-T.
Other names: c.749G>A, p.Cys250Tyr (NM_001276271.2, NM_001276272.2, NM_003925.3); c.247+913G>A (NM_001276273.2); short protein forms C250Y.
Identifiers: ClinVar variation 2859678 (VCV002859678.4), dbSNP rs768970775, ClinGen allele CA2605475.

ClinVar aggregate classification (germline): Uncertain significance. Review status: criteria provided, multiple submitters, no conflicts (2 of 4 stars). 2 submissions from 2 submitters: Uncertain significance (2). Last evaluated 2026-07-07.

Conditions:
Inborn genetic diseases. Identifiers: MedGen C0950123, MeSH D030342.

Allele frequency attached by ClinVar (database versions not stated): ExAC 0.00001; gnomAD exomes 0.00001.
gnomAD v4.1: 4 of 1,614,166 alleles (0.00025%); highest among the groups gnomAD compares: Non-Finnish European, 0.00025%; no homozygotes.

Submissions (2):

Ambry Genetics
Classification: Uncertain significance for Inborn genetic diseases. Last evaluated: 2026-07-07. Review status: criteria provided, single submitter. Criteria: Ambry Variant Classification Scheme 2023. Collection method: clinical testing. Allele origin: germline.
Comment: The p.C250Y variant (also known as c.749G>A), located in coding exon 3 of the MBD4 gene, results from a G to A substitution at nucleotide position 749. The cysteine at codon 250 is replaced by tyrosine, an amino acid with highly dissimilar properties. This amino acid position is conserved. In addition, this alteration is predicted to be tolerated by in silico analysis. Based on the available evidence, the clinical significance of this variant remains unclear.

Labcorp Genetics (formerly Invitae), Labcorp
Classification: Uncertain significance. Last evaluated: 2023-05-17. Review status: criteria provided, single submitter. Criteria: Invitae Variant Classification Sherloc (09022015). Collection method: clinical testing. Allele origin: germline.
Comment: In summary, the available evidence is currently insufficient to determine the role of this variant in disease. Therefore, it has been classified as a Variant of Uncertain Significance. An algorithm developed to predict the effect of missense changes on protein structure and function (PolyPhen-2) suggests that this variant is likely to be tolerated. This variant has not been reported in the literature in individuals affected with MBD4-related conditions. This variant is present in population databases (rs768970775, gnomAD 0.002%). This sequence change replaces cysteine, which is neutral and slightly polar, with tyrosine, which is neutral and polar, at codon 250 of the MBD4 protein (p.Cys250Tyr).